The following is an entry in ClinVar:

NM_174936.4(PCSK9):c.1897A>G (p.Thr633Ala)

Gene: PCSK9 (proprotein convertase subtilisin/kexin type 9; plus strand). Cytogenetic location: 1p32.3.
Variant type: single nucleotide variant.
Coding change: c.1897A>G on transcript NM_174936.4 (MANE Select); coding-DNA position 1897, A replaced by G.
Protein change: p.Thr633Ala; replaces threonine 633 with alanine.
Molecular consequence: missense variant.
Genome position (GRCh38, 1-based): chr1:55,063,402, A>G. VCF-style: chr1-55063402-A-G. GRCh37 (hg19) VCF-style: chr1-55529075-A-G.
Other names: c.2020A>G, p.Thr674Ala (NM_001407240.1); c.1939A>G, p.Thr647Ala (NM_001407241.1); c.1900A>G, p.Thr634Ala (NM_001407242.1); c.1840A>G, p.Thr614Ala (NM_001407243.1); c.1723A>G, p.Thr575Ala (NM_001407244.1); c.1705A>G, p.Thr569Ala (NM_001407245.1); c.1522A>G, p.Thr508Ala (NM_001407246.1); c.1396A>G, p.Thr466Ala (NM_001407247.1); short protein forms T633A, T466A, T508A, T569A, T674A, T634A, T647A, T614A.
Identifiers: ClinVar variation 628187 (VCV000628187.8), dbSNP rs1002152564, ClinGen allele CA22768216.

ClinVar aggregate classification (germline): Uncertain significance. Review status: criteria provided, multiple submitters, no conflicts (2 of 4 stars). 3 submissions from 3 submitters: Uncertain significance (3). Last evaluated 2024-03-06.

Conditions:
Familial hypercholesterolemia. Also called: Familial hypercholesterolemias; Familial hypercholesterolaemia. Identifiers: MedGen C0020445, MONDO:0005439.
Hypercholesterolemia, autosomal dominant, 3 (FHCL3). Also called: Familial Hypercholesterolemia, Autosomal Dominant, 3; PCSK9-Related Familial Hypercholesterolemia, Autosomal Dominant; Familial hypercholesterolemia 3. Identifiers: MedGen C1863551, MONDO:0011369, OMIM 603776.
Cardiovascular phenotype. Identifiers: MedGen CN230736.

Allele frequency attached by ClinVar (database versions not stated): gnomAD exomes below 0.00001; TOPMed below 0.00001.
gnomAD v4.1: 1 of 1,613,856 alleles (0.000062%); highest among the groups gnomAD compares: Non-Finnish European, 0.000085%; no homozygotes.

Submissions (3):

Color Diagnostics, LLC DBA Color Health
Classification: Uncertain significance for Familial hypercholesterolemia. Last evaluated: 2024-03-06. Review status: criteria provided, single submitter. Criteria: ACMG Guidelines, 2015. Collection method: clinical testing. Allele origin: germline.
Comment: This missense variant replaces threonine with alanine at codon 633 of the PCSK9 protein. Computational prediction suggests that this variant may not impact protein structure and function (internally defined REVEL score threshold <= 0.5, PMID: 27666373). To our knowledge, functional studies have not been reported for this variant. This variant has not been reported in individuals affected with PCSK9-related disorders in the literature. This variant has not been identified in the general population by the Genome Aggregation Database (gnomAD). The available evidence is insufficient to determine the role of this variant in disease conclusively. Therefore, this variant is classified as a Variant of Uncertain Significance.

All of Us Research Program, National Institutes of Health
Classification: Uncertain significance for Hypercholesterolemia, autosomal dominant, 3. Last evaluated: 2023-10-06. Review status: criteria provided, single submitter. Criteria: ACMG Guidelines, 2015. Collection method: clinical testing. Allele origin: germline. Inheritance: Autosomal dominant inheritance. Observed: 1 variant allele, 1 heterozygote.
Comment: Variant of Uncertain Significance due to insufficient evidence: This variant is a missense variant located in the CM3 C-terminal domain of the PCSK9 protein. Computational prediction tools and conservation analyses are inconclusive regarding the impact of this variant on the protein function. Computational splicing tools suggest that this variant may not impact the RNA splicing. To our knowledge, functional assays have not been performed for this variant nor has the variant been reported in individuals affected with familial hypercholesterolemia in the literature. This variant is rare in the general population and has been identified in 0/277264 chromosomes by the Genome Aggregation Database (gnomAD). Available evidence is insufficient to determine the pathogenicity of this variant conclusively.

This study involves interpretation of variants in research participants for the purpose of population health screening. Participant phenotype was not available at the time of variant classification. Additional details can be found in publication PMID: 35346344, PMCID: PMC8962531

Ambry Genetics
Classification: Uncertain significance for Cardiovascular phenotype. Last evaluated: 2022-07-08. Review status: criteria provided, single submitter. Criteria: Ambry Variant Classification Scheme 2023. Collection method: clinical testing. Allele origin: germline.
Comment: The p.T633A variant (also known as c.1897A>G), located in coding exon 12 of the PCSK9 gene, results from an A to G substitution at nucleotide position 1897. The threonine at codon 633 is replaced by alanine, an amino acid with similar properties. This amino acid position is conserved. In addition, this alteration is predicted to be tolerated by in silico analysis. Since supporting evidence is limited at this time, the clinical significance of this alteration remains unclear.